The following is an entry in ClinVar:

ClinVar aggregate classification (germline): Benign. Review status: criteria provided, single submitter (1 of 4 stars). 2 submissions from 2 submitters: Benign (1). 1 of the submissions does not count toward it. Last evaluated 2026-01-20.

Conditions:
ABCA12-related disorder. Also called: ABCA12-related condition.

Allele frequency attached by ClinVar (database versions not stated): ExAC 0.00030; gnomAD 0.00006; gnomAD exomes 0.00012; TOPMed 0.00008; ESP Exome Variant Server 0.00015.
gnomAD v4.1: 178 of 1,613,860 alleles (0.011%); highest among the groups gnomAD compares: South Asian, 0.13%; 1 homozygote.

Submissions (2):

Labcorp Genetics (formerly Invitae), Labcorp
Classification: Benign. Last evaluated: 2026-01-20. Review status: criteria provided, single submitter. Criteria: Invitae Variant Classification Sherloc (09022015). Collection method: clinical testing. Allele origin: germline.

PreventionGenetics, part of Exact Sciences
Classification: Likely benign for ABCA12-related condition. Last evaluated: 2019-11-12. Review status: no assertion criteria provided. Collection method: clinical testing. Allele origin: germline. Not counted in ClinVar's aggregate classification.
Comment: This variant is classified as likely benign based on ACMG/AMP sequence variant interpretation guidelines (Richards et al. 2015 PMID: 25741868, with internal and published modifications).

NM_173076.3(ABCA12):c.2139C>T (p.Asn713=)

Gene: ABCA12 (ATP binding cassette subfamily A member 12; minus strand). Cytogenetic location: 2q35.
Variant type: single nucleotide variant.
Coding change: c.2139C>T on transcript NM_173076.3 (MANE Select); coding-DNA position 2139, C replaced by T.
Protein change: p.Asn713=; no amino-acid change (asparagine 713 retained).
Molecular consequence: synonymous variant. On other transcripts: non-coding transcript variant (1).
Genome position (GRCh38, 1-based): chr2:215,011,632, G>A on the plus strand (C>T on the coding strand, the complement: ABCA12 is on the minus strand). VCF-style: chr2-215011632-G-A. GRCh37 (hg19) VCF-style: chr2-215876356-G-A.
Other names: c.2139C>T (NM_173076.2); c.1185C>T, p.Asn395= (NM_015657.4).
Identifiers: ClinVar variation 2902851 (VCV002902851.5), dbSNP rs137906898, ClinGen allele CA2092023.